The following is an entry in ClinVar:

ClinVar aggregate classification (germline): Uncertain significance. Review status: criteria provided, multiple submitters, no conflicts (2 of 4 stars). 2 submissions from 2 submitters: Uncertain significance (2). Last evaluated 2025-04-03.

Allele frequency attached by ClinVar (database versions not stated): ESP Exome Variant Server 0.00023; gnomAD exomes 0.00015; ExAC 0.00018; gnomAD 0.00034 and 0.00035.
gnomAD v4.1: 627 of 1,610,042 alleles (0.039%); highest among the groups gnomAD compares: Non-Finnish European, 0.051%; no homozygotes.

Submissions (2):

Labcorp Genetics (formerly Invitae), Labcorp
Classification: Uncertain significance. Last evaluated: 2025-04-03. Review status: criteria provided, single submitter. Criteria: Invitae Variant Classification Sherloc (09022015). Collection method: clinical testing. Allele origin: germline.
Comment: This sequence change replaces asparagine, which is neutral and polar, with aspartic acid, which is acidic and polar, at codon 158 of the ANLN protein (p.Asn158Asp). This variant is present in population databases (rs146231215, gnomAD 0.03%), and has an allele count higher than expected for a pathogenic variant. This variant has not been reported in the literature in individuals affected with ANLN-related conditions. ClinVar contains an entry for this variant (Variation ID: 1062144). An algorithm developed to predict the effect of missense changes on protein structure and function (PolyPhen-2) suggests that this variant is likely to be tolerated. In summary, the available evidence is currently insufficient to determine the role of this variant in disease. Therefore, it has been classified as a Variant of Uncertain Significance.

Ambry Genetics
Classification: Uncertain significance. Last evaluated: 2021-07-09. Review status: criteria provided, single submitter. Criteria: Ambry Variant Classification Scheme 2023. Collection method: clinical testing. Allele origin: germline.

NM_018685.5(ANLN):c.472A>G (p.Asn158Asp)

Gene: ANLN (anillin, actin binding protein; plus strand). Cytogenetic location: 7p14.2.
Variant type: single nucleotide variant.
Coding change: c.472A>G on transcript NM_018685.5 (MANE Select); coding-DNA position 472, A replaced by G.
Protein change: p.Asn158Asp; replaces asparagine 158 with aspartic acid.
Molecular consequence: missense variant.
Genome position (GRCh38, 1-based): chr7:36,399,378, A>G. VCF-style: chr7-36399378-A-G. GRCh37 (hg19) VCF-style: chr7-36438987-A-G.
Other names: c.472A>G, p.Asn158Asp (NM_001284301.3, NM_001284302.3); c.472A>G (NM_018685.2); short protein forms N158D.
Identifiers: ClinVar variation 1062144 (VCV001062144.8), dbSNP rs146231215, ClinGen allele CA4219349.